The following is an entry in ClinVar:

ClinVar aggregate classification (germline): Uncertain significance (1 of 4 stars; one submission).

Submission:

GeneDx
Classification: Uncertain significance. Last evaluated: 2023-05-31. Review status: criteria provided, single submitter. Criteria: GeneDx Variant Classification Process June 2021. Collection method: clinical testing. Allele origin: germline. Affected: yes.
Comment: Not observed at significant frequency in large population cohorts (gnomAD); In silico analysis suggests that this missense variant does not alter protein structure/function, but splice predictors indicate that the variant may lead to abnormal gene splicing; Has not been previously published as pathogenic or benign to our knowledge

NM_001145358.2(SIN3A):c.2434A>G (p.Ile812Val)

Gene: SIN3A (SIN3 transcription regulator family member A; minus strand). Cytogenetic location: 15q24.2.
Variant type: single nucleotide variant.
Coding change: c.2434A>G on transcript NM_001145358.2 (MANE Select); coding-DNA position 2434, A replaced by G.
Protein change: p.Ile812Val; replaces isoleucine 812 with valine.
Molecular consequence: missense variant.
Genome position (GRCh38, 1-based): chr15:75,392,659, T>C on the plus strand (A>G on the coding strand, the complement: SIN3A is on the minus strand). VCF-style: chr15-75392659-T-C. GRCh37 (hg19) VCF-style: chr15-75685000-T-C.
Other names: c.2434A>G, p.Ile812Val (NM_001145357.2, NM_015477.3); short protein forms I812V.
Identifiers: ClinVar variation 3362089 (VCV003362089.1).